The following is an entry in ClinVar:

ClinVar aggregate classification (germline): Pathogenic (1 of 4 stars; one submission).

Submission:

Labcorp Genetics (formerly Invitae), Labcorp
Classification: Pathogenic. Last evaluated: 2023-10-18. Review status: criteria provided, single submitter. Criteria: Invitae Variant Classification Sherloc (09022015). Collection method: clinical testing. Allele origin: germline.
Comment: This sequence change affects a donor splice site in intron 3 of the CHM gene. It is expected to disrupt RNA splicing. Variants that disrupt the donor or acceptor splice site typically lead to a loss of protein function (PMID: 16199547), and loss-of-function variants in CHM are known to be pathogenic (PMID: 9067750, 23811034). This variant is not present in population databases (gnomAD no frequency). Disruption of this splice site has been observed in individual(s) with choroideremia (PMID: 27986385). Algorithms developed to predict the effect of sequence changes on RNA splicing suggest that this variant may disrupt the consensus splice site. For these reasons, this variant has been classified as Pathogenic.

Literature cited by the submitters: PubMed 16199547; PubMed 9067750; PubMed 23811034; PubMed 27986385.

NM_000390.4(CHM):c.189+1G>T

Gene: CHM (CHM Rab escort protein; minus strand). Cytogenetic location: Xq21.2.
Variant type: single nucleotide variant.
Coding change: c.189+1G>T on transcript NM_000390.4 (MANE Select); the canonical splice donor site of the intron after coding-DNA position 189, G replaced by T.
Molecular consequence: splice donor variant.
Genome position (GRCh38, 1-based): chrX:85,981,736, C>A on the plus strand (G>T on the coding strand, the complement: CHM is on the minus strand). VCF-style: chrX-85981736-C-A. GRCh37 (hg19) VCF-style: chrX-85236740-C-A.
Other names: c.-252+1G>T (NM_001362519.1, NM_001362518.2); c.-256+1G>T (NM_001362517.1, NM_001320959.1); c.189+1G>T (NM_001145414.4).
Identifiers: ClinVar variation 2780474 (VCV002780474.3), dbSNP rs1931625021, ClinGen allele CA413788226.